The following is an entry in ClinVar:

ClinVar aggregate classification (germline): Likely pathogenic (1 of 4 stars; one submission).

Submission:

Labcorp Genetics (formerly Invitae), Labcorp
Classification: Likely pathogenic. Last evaluated: 2021-09-20. Review status: criteria provided, single submitter. Criteria: Invitae Variant Classification Sherloc (09022015). Collection method: clinical testing. Allele origin: germline.
Comment: This sequence change replaces cysteine with arginine at codon 418 of the PRKN protein (p.Cys418Arg). The cysteine residue is highly conserved and there is a large physicochemical difference between cysteine and arginine. This variant is not present in population databases (ExAC no frequency). This missense change has been observed in individuals with clinical features of early-onset Parkinson disease (PMID: 15584030; Invitae). Advanced modeling of protein sequence and biophysical properties (such as structural, functional, and spatial information, amino acid conservation, physicochemical variation, residue mobility, and thermodynamic stability) performed at Invitae indicates that this missense variant is expected to disrupt PRKN protein function. Experimental studies have shown that this missense change affects PRKN function (PMID: 14678753, 16714300, 19801972, 27534820). In summary, the currently available evidence indicates that the variant is pathogenic, but additional data are needed to prove that conclusively. Therefore, this variant has been classified as Likely Pathogenic.

Literature cited by the submitters: PubMed 15584030; PubMed 14678753; PubMed 16714300; PubMed 19801972; PubMed 27534820.

NM_004562.3(PRKN):c.1252T>C (p.Cys418Arg)

Gene: PRKN (parkin RBR E3 ubiquitin protein ligase; minus strand). Cytogenetic location: 6q26.
Variant type: single nucleotide variant.
Coding change: c.1252T>C on transcript NM_004562.3 (MANE Select); coding-DNA position 1252, T replaced by C.
Protein change: p.Cys418Arg; replaces cysteine 418 with arginine.
Molecular consequence: missense variant.
Genome position (GRCh38, 1-based): chr6:161,360,121, A>G on the plus strand (T>C on the coding strand, the complement: PRKN is on the minus strand). VCF-style: chr6-161360121-A-G. GRCh37 (hg19) VCF-style: chr6-161781153-A-G.
Other names: c.1168T>C, p.Cys390Arg (NM_013987.3); c.805T>C, p.Cys269Arg (NM_013988.3); short protein forms C418R, C269R, C390R.
Identifiers: ClinVar variation 1488446 (VCV001488446.6), dbSNP rs1554252200, ClinGen allele CA366456463.
Genomic context (GRCh38, chr6:161,360,121, plus strand): 5'-CTCATTCTCTGCTCAGCACAGACTCACCATTTTTTTCCACTGGTACATGGCAGCGGGGAC[A>G]GGGCTTGGTGGTTTTCTTGATGGTTTCTTTGGAGGCTGCTTCCCAACGAGCCTGCTCGGC-3'
Protein context (NP_004553.2, residues 408-428): KETIKKTTKP[Cys418Arg]PRCHVPVEKN